The following is an entry in ClinVar:

NM_019842.4(KCNQ5):c.1012T>C (p.Phe338Leu)

Gene: KCNQ5 (potassium voltage-gated channel subfamily Q member 5; plus strand). Cytogenetic location: 6q13.
Variant type: single nucleotide variant.
Coding change: c.1012T>C on transcript NM_019842.4 (MANE Select); coding-DNA position 1012, T replaced by C.
Protein change: p.Phe338Leu; replaces phenylalanine 338 with leucine.
Molecular consequence: missense variant.
Genome position (GRCh38, 1-based): chr6:73,105,350, T>C. VCF-style: chr6-73105350-T-C. GRCh37 (hg19) VCF-style: chr6-73815073-T-C.
Other names: c.1012T>C, p.Phe338Leu (NM_001160130.2, NM_001160132.2, NM_001160133.2 and 1 more transcripts); short protein forms F338L.
Identifiers: ClinVar variation 2576677 (VCV002576677.1), dbSNP rs2533670658, ClinGen allele CA364826147.
Genomic context (GRCh38, chr6:73,105,350, plus strand): 5'-ACTCCCCTAACTTGGCTGGGAAGATTGCTTTCTGCAGGCTTTGCACTCCTTGGCATTTCT[T>C]TCTTTGCACTTCCTGCCGTGAGTATCTTTGCACCAATAAAGCAGTTTAAATTAGATCTTA-3'
Protein context (NP_062816.2, residues 328-348): SAGFALLGIS[Phe338Leu]FALPAGILGS

ClinVar aggregate classification (germline): Uncertain significance (1 of 4 stars; one submission).

Submission:

GeneDx
Classification: Uncertain significance. Last evaluated: 2023-02-17. Review status: criteria provided, single submitter. Criteria: GeneDx Variant Classification Process June 2021. Collection method: clinical testing. Allele origin: germline. Affected: yes.
Comment: Not observed at significant frequency in large population cohorts (gnomAD); In silico analysis supports that this missense variant has a deleterious effect on protein structure/function; Has not been previously published as pathogenic or benign to our knowledge